The following is an entry in ClinVar:

NM_015215.4(CAMTA1):c.3065A>G (p.Gln1022Arg)

Gene: CAMTA1 (calmodulin binding transcription activator 1; plus strand). Cytogenetic location: 1p36.23.
Variant type: single nucleotide variant.
Coding change: c.3065A>G on transcript NM_015215.4 (MANE Select); coding-DNA position 3065, A replaced by G.
Protein change: p.Gln1022Arg; replaces glutamine 1022 with arginine.
Molecular consequence: missense variant.
Genome position (GRCh38, 1-based): chr1:7,732,598, A>G. VCF-style: chr1-7732598-A-G. GRCh37 (hg19) VCF-style: chr1-7792658-A-G.
Other names: c.2975A>G, p.Gln992Arg (NM_001349608.2, NM_001349612.2); c.3065A>G, p.Gln1022Arg (NM_001349609.2, NM_001349610.2, NM_001410737.1); c.194A>G, p.Gln65Arg (NM_001349613.1); c.137A>G, p.Gln46Arg (NM_001349614.1, NM_001349615.2, NM_001349616.2 and 10 more transcripts); c.2993A>G, p.Gln998Arg (NM_001410738.1); short protein forms Q1022R, Q65R, Q46R, Q992R, Q998R.
Identifiers: ClinVar variation 3731267 (VCV003731267.1).

ClinVar aggregate classification (germline): Uncertain significance (1 of 4 stars; one submission).

Submission:

GeneDx
Classification: Uncertain significance. Last evaluated: 2024-08-16. Review status: criteria provided, single submitter. Criteria: GeneDx Variant Classification Process June 2021. Collection method: clinical testing. Allele origin: germline. Affected: yes.
Comment: Not observed at significant frequency in large population cohorts (gnomAD); In silico analysis indicates that this missense variant does not alter protein structure/function; Has not been previously published as pathogenic or benign to our knowledge